The following is an entry in ClinVar:

ClinVar aggregate classification (germline): Benign/Likely benign. Review status: criteria provided, multiple submitters, no conflicts (2 of 4 stars). 4 submissions from 4 submitters: Benign (3); Likely benign (1). Last evaluated 2026-02-02.

Allele frequency attached by ClinVar (database versions not stated): gnomAD 0.00021 and 0.00035; gnomAD exomes 0.00034 and 0.00079; TOPMed 0.00051; 1000 Genomes Project 30x 0.00125; ExAC 0.00131; 1000 Genomes Project 0.00140.
gnomAD v4.1: 544 of 1,592,926 alleles (0.034%); highest among the groups gnomAD compares: East Asian, 1.2%; 6 homozygotes.

Submissions (4):

Labcorp Genetics (formerly Invitae), Labcorp
Classification: Benign. Last evaluated: 2026-02-02. Review status: criteria provided, single submitter. Criteria: Invitae Variant Classification Sherloc (09022015). Collection method: clinical testing. Allele origin: germline.

Blueprint Genetics
Classification: Likely benign. Last evaluated: 2024-10-30. Review status: criteria provided, single submitter. Criteria: ACMG Guidelines, 2015. Collection method: clinical testing. Allele origin: germline.

CeGaT Center for Human Genetics Tuebingen
Classification: Benign. Last evaluated: 2023-01-01. Review status: criteria provided, single submitter. Criteria: CeGaT Center For Human Genetics Tuebingen Variant Classification Criteria Version 2. Collection method: clinical testing. Allele origin: germline. Affected: yes. Observed: 1 variant allele.
Comment: CDH23: BP4, BP7, BS1, BS2

Laboratory for Molecular Medicine, Mass General Brigham Personalized Medicine
Classification: Benign. Last evaluated: 2016-03-03. Review status: criteria provided, single submitter. Criteria: LMM Criteria. Collection method: clinical testing. Allele origin: germline. Observed: 1 variant allele.
Comment: p.Ser1041Ser in exon 26A of CDH23: This variant is not expected to have clinical significance because it does not alter an amino acid residue and is not located within the splice consensus sequence. It has been identified in 1.8% (63/3446) of East Asian chromosomes by the Exome Aggregation Consortium (ExAC .; dbSNP rs557460474).

NM_022124.6(CDH23):c.3106+17C>T

Gene: CDH23 (cadherin related 23; plus strand). Cytogenetic location: 10q22.1.
Variant type: single nucleotide variant.
Coding change: c.3106+17C>T on transcript NM_022124.6 (MANE Select); 17 bases into the intron after coding-DNA position 3106, C replaced by T.
Molecular consequence: intron variant. On other transcripts: synonymous variant (1).
Genome position (GRCh38, 1-based): chr10:71,707,066, C>T. VCF-style: chr10-71707066-C-T. GRCh37 (hg19) VCF-style: chr10-73466823-C-T.
Other names: c.3123C>T, p.Ser1041= (NM_001171931.2); c.3106+17C>T (NM_001171930.2).
Identifiers: ClinVar variation 226497 (VCV000226497.40), dbSNP rs557460474, ClinGen allele CA5544450.